The following is an entry in ClinVar:

ClinVar aggregate classification (germline): Uncertain significance. Review status: criteria provided, multiple submitters, no conflicts (2 of 4 stars). 3 submissions from 3 submitters: Uncertain significance (2). 1 of the submissions does not count toward it. Last evaluated 2026-07-02.

Conditions:
RECQL4-related disorder. Also called: RECQL4-related condition; RECQL4-related disorders.
Baller-Gerold syndrome (BGS). Also called: CRANIOSYNOSTOSIS WITH RADIAL DEFECTS. Identifiers: Orphanet 1225, MedGen C0265308, MONDO:0009039, OMIM 218600.

Allele frequency attached by ClinVar (database versions not stated): gnomAD exomes below 0.00001 and 0.00001; ExAC 0.00001; gnomAD 0.00001 and 0.00002; TOPMed 0.00002; 1000 Genomes Project 0.00040; 1000 Genomes Project 30x 0.00062.
gnomAD v4.1: 8 of 1,546,732 alleles (0.00052%); highest among the groups gnomAD compares: Admixed American, 0.012%; no homozygotes.

Submissions (3):

PreventionGenetics, part of Exact Sciences
Classification: Uncertain significance for RECQL4-related condition. Last evaluated: 2026-07-02. Review status: criteria provided, single submitter. Criteria: ACMG Guidelines, 2015. Collection method: clinical testing. Allele origin: germline.
Comment: The RECQL4 c.410C>T variant is predicted to result in the amino acid substitution p.Ala137Val. To our knowledge, this variant has not been reported in the literature. This variant is reported in 0.0039% of alleles in individuals of Latino descent in gnomAD. At this time, the clinical significance of this variant is uncertain due to the absence of conclusive functional and genetic evidence.

Labcorp Genetics (formerly Invitae), Labcorp
Classification: Uncertain significance for Baller-Gerold syndrome. Last evaluated: 2025-01-21. Review status: criteria provided, single submitter. Criteria: Invitae Variant Classification Sherloc (09022015). Collection method: clinical testing. Allele origin: germline.
Comment: This sequence change replaces alanine, which is neutral and non-polar, with valine, which is neutral and non-polar, at codon 137 of the RECQL4 protein (p.Ala137Val). This variant is present in population databases (rs527934999, gnomAD 0.004%). This variant has not been reported in the literature in individuals affected with RECQL4-related conditions. ClinVar contains an entry for this variant (Variation ID: 135163). Invitae Evidence Modeling of protein sequence and biophysical properties (such as structural, functional, and spatial information, amino acid conservation, physicochemical variation, residue mobility, and thermodynamic stability) indicates that this missense variant is not expected to disrupt RECQL4 protein function with a negative predictive value of 80%. Algorithms developed to predict the effect of sequence changes on RNA splicing suggest that this variant may create or strengthen a splice site. In summary, the available evidence is currently insufficient to determine the role of this variant in disease. Therefore, it has been classified as a Variant of Uncertain Significance.

ITMI
No classification provided. Condition: AllHighlyPenetrant. Last evaluated: 2013-09-19. Review status: no classification provided. Collection method: reference population. Allele origin: germline. Not counted in ClinVar's aggregate classification.
Comment: Please see associated publication for description of ethnicities

Literature cited by the submitters: PubMed 24728327 (cited by ITMI).

NM_004260.4(RECQL4):c.410C>T (p.Ala137Val)

Gene: RECQL4 (RecQ like helicase 4; minus strand). Cytogenetic location: 8q24.3.
Variant type: single nucleotide variant.
Coding change: c.410C>T on transcript NM_004260.4 (MANE Select); coding-DNA position 410, C replaced by T.
Protein change: p.Ala137Val; replaces alanine 137 with valine.
Molecular consequence: missense variant.
Genome position (GRCh38, 1-based): chr8:144,516,709, G>A on the plus strand (C>T on the coding strand, the complement: RECQL4 is on the minus strand). VCF-style: chr8-144516709-G-A. GRCh37 (hg19) VCF-style: chr8-145742093-G-A.
Other names: short protein forms A137V.
Identifiers: ClinVar variation 135163 (VCV000135163.9), dbSNP rs527934999, ClinGen allele CA161884.